The following is an entry in ClinVar:

ClinVar aggregate classification (germline): Uncertain significance (1 of 4 stars; one submission).

Conditions:
Hereditary breast ovarian cancer syndrome. Also called: Hereditary breast and ovarian cancer syndrome; BRCA1- and BRCA2-Associated Hereditary Breast and Ovarian Cancer; Hereditary breast and ovarian cancer; Hereditary breast and/or ovarian cancer syndrome; Hereditary breast and ovarian cancer syndrome (HBOC); Breast and ovarian cancer. Identifiers: Orphanet 145, MedGen C0677776, MeSH D061325, MONDO:0003582. Disease mechanism: loss of function.

Allele frequency attached by ClinVar (database versions not stated): gnomAD exomes below 0.00001.
gnomAD v4.1: 1 of 1,613,666 alleles (0.000062%); highest among the groups gnomAD compares: Non-Finnish European, 0.000085%; no homozygotes.

Submission:

Labcorp Genetics (formerly Invitae), Labcorp
Classification: Uncertain significance for Hereditary breast ovarian cancer syndrome. Last evaluated: 2022-03-14. Review status: criteria provided, single submitter. Criteria: Invitae Variant Classification Sherloc (09022015). Collection method: clinical testing. Allele origin: germline.
Comment: In summary, the available evidence is currently insufficient to determine the role of this variant in disease. Therefore, it has been classified as a Variant of Uncertain Significance. Advanced modeling of protein sequence and biophysical properties (such as structural, functional, and spatial information, amino acid conservation, physicochemical variation, residue mobility, and thermodynamic stability) performed at Invitae indicates that this missense variant is not expected to disrupt BRCA1 protein function. Algorithms developed to predict the effect of sequence changes on RNA splicing suggest that this variant may create or strengthen a splice site. This variant is not present in population databases (gnomAD no frequency). This sequence change replaces lysine, which is basic and polar, with glutamic acid, which is acidic and polar, at codon 1459 of the BRCA1 protein (p.Lys1459Glu). This variant has not been reported in the literature in individuals affected with BRCA1-related conditions.

NM_007294.4(BRCA1):c.4375A>G (p.Lys1459Glu)

Gene: BRCA1 (BRCA1 DNA repair associated; minus strand). Cytogenetic location: 17q21.31.
Variant type: single nucleotide variant.
Coding change: c.4375A>G on transcript NM_007294.4 (MANE Select); coding-DNA position 4375, A replaced by G.
Protein change: p.Lys1459Glu; replaces lysine 1459 with glutamic acid.
Molecular consequence: missense variant. On other transcripts: non-coding transcript variant (1).
Genome position (GRCh38, 1-based): chr17:43,076,597, T>C on the plus strand (A>G on the coding strand, the complement: BRCA1 is on the minus strand). VCF-style: chr17-43076597-T-C. GRCh37 (hg19) VCF-style: chr17-41228614-T-C.
Other names: c.4162A>G, p.Lys1388Glu (NM_001407571.1, NM_001407894.1, NM_001407895.1 and 12 more transcripts); c.4441A>G, p.Lys1481Glu (NM_001407581.1, NM_001407582.1); c.4438A>G, p.Lys1480Glu (NM_001407583.1, NM_001407585.1, NM_001407587.1 and 1 more transcripts); c.4435A>G, p.Lys1479Glu (NM_001407590.1, NM_001407591.1); c.4375A>G, p.Lys1459Glu (NM_001407593.1, NM_001407594.1, NM_001407596.1 and 8 more transcripts); c.4372A>G, p.Lys1458Glu (NM_001407610.1, NM_001407611.1, NM_001407612.1 and 17 more transcripts); c.4369A>G, p.Lys1457Glu (NM_001407627.1, NM_001407628.1, NM_001407629.1 and 14 more transcripts); c.4366A>G, p.Lys1456Glu (NM_001407644.1, NM_001407645.1); and 68 more; short protein forms K1290E, K1331E, K1370E, K1371E, K1390E, K1418E, K1433E, K1439E.
Identifiers: ClinVar variation 2111745 (VCV002111745.4), dbSNP rs886040228, ClinGen allele CA10592791.
Genomic context (GRCh38, chr17:43,076,597, plus strand): 5'-CCTCAAACTTGTCAGCAGAAAGGCCTTCTGGATTCTGGCTTATAGGGTATTCACTACTTT[T>C]CTGTGAAGTTAATACTGCTTTAAATGGAATGAGAAAACAAATCTACTTTACTGCTTTGTT-3'
Protein context (NP_009225.1, residues 1449-1469): TSEKAVLTSQ[Lys1459Glu]SSEYPISQNP